The following is an entry in ClinVar:

ClinVar aggregate classification (germline): Uncertain significance (1 of 4 stars; one submission).

Conditions:
Glycogen storage disease type III (GSD3). Also called: FORBES DISEASE; Cori disease. Identifiers: Orphanet 366, MedGen C0017922, MONDO:0009291, OMIM 232400.

gnomAD v4.1: 4 of 1,613,970 alleles (0.00025%); highest among the groups gnomAD compares: East Asian, 0.0067%; no homozygotes.

Submission:

Clinical Genomics Laboratory, Stanford Medicine
Classification: Uncertain significance for Glycogen storage disease type III. Last evaluated: 2022-10-27. Review status: criteria provided, single submitter. Criteria: ACMG Guidelines, 2015. Collection method: clinical testing. Allele origin: germline. Observed: 1 variant allele, 1 homozygote.
Comment: This variant has been identified in 2/18,394 East Asian chromosomes (2/251,308 chromosomes overall) by the Genome Aggregation Database. Although this variant has been seen in the general population, its frequency is low enough to be consistent with a recessive carrier frequency. The lysine at position 205 is moderately evolutionarily conserved. Computational tools predict that the p.Lys205Glu variant is neither deleterious nor benign; however, the accuracy of in silico algorithms is limited. These data were assessed using the ACMG/AMP variant interpretation guidelines. In summary, the significance of the p.Lys205Glu variant is uncertain. Additional information is needed to resolve the significance of this variant. [ACMG evidence codes used: PM2]_x000D_

NM_000642.3(AGL):c.613A>G (p.Lys205Glu)

Gene: AGL (amylo-alpha-1,6-glucosidase and 4-alpha-glucanotransferase; plus strand). Cytogenetic location: 1p21.2.
Variant type: single nucleotide variant.
Coding change: c.613A>G on transcript NM_000642.3 (MANE Select); coding-DNA position 613, A replaced by G.
Protein change: p.Lys205Glu; replaces lysine 205 with glutamic acid.
Molecular consequence: missense variant. On other transcripts: intron variant (2).
Genome position (GRCh38, 1-based): chr1:99,864,538, A>G. VCF-style: chr1-99864538-A-G. GRCh37 (hg19) VCF-style: chr1-100330094-A-G.
Other names: c.613A>G, p.Lys205Glu (NM_000028.3, NM_000643.3, NM_000644.3 and 3 more transcripts); c.565A>G, p.Lys189Glu (NM_000646.3); c.235A>G, p.Lys79Glu (NM_001425332.1); c.460+2115A>G (NM_001425328.1, NM_001425329.1); short protein forms K189E, K205E, K79E.
Identifiers: ClinVar variation 4852461 (VCV004852461.1).